The following is an entry in ClinVar:

NM_001123391.4(TBC1D3):c.855G>A (p.Leu285=)

Genes: TBC1D3 (TBC1 domain family member 3; minus strand), TBC1D3L (TBC1 domain family member 3L; minus strand). Cytogenetic location: 17q12.
Variant type: single nucleotide variant.
Coding change: c.855G>A on transcript NM_001123391.4 (MANE Select); coding-DNA position 855, G replaced by A.
Protein change: p.Leu285=; no amino-acid change (leucine 285 retained).
Molecular consequence: synonymous variant.
Genome position (GRCh38, 1-based): chr17:38,184,120, C>T on the plus strand (G>A on the coding strand, the complement: TBC1D3 is on the minus strand). VCF-style: chr17-38184120-C-T. GRCh37 (hg19) VCF-style: chr17-36340172-C-T.
Identifiers: ClinVar variation 4533843 (VCV004533843.6).
Genomic context (GRCh38, chr17:38,184,120, plus strand): 5'-AAAGGCGATTCTTGTTATCGGCATCAACGCCTGTTCGCCTTCTACCAGATACACGTCCCA[C>T]AGGCGCAGGGTGAGCCCGAGAGAGATCTGTGGGGACAGCAGGTGTGAAAGAACCTGGTCC-3'
Protein context (NP_001116863.3, residues 275-295): DGISLGLTLR[Leu285=]WDVYLVEGEQ

ClinVar aggregate classification (germline): Likely benign (1 of 4 stars; one submission).

Submission:

CeGaT Center for Human Genetics Tuebingen
Classification: Likely benign. Last evaluated: 2025-11-01. Review status: criteria provided, single submitter. Criteria: CeGaT Center For Human Genetics Tuebingen Variant Classification Criteria Version 2. Collection method: clinical testing. Allele origin: germline. Affected: yes. Observed: 1 variant allele.
Comment: TBC1D3: BP4, BP7; TBC1D3G: BP4, BP7; TBC1D3L: BP4, BP7